The following is an entry in ClinVar:

NM_006662.3(SRCAP):c.8361C>A (p.Ser2787Arg)

Gene: SRCAP (Snf2 related CREBBP activator protein; plus strand). Cytogenetic location: 16p11.2.
Variant type: single nucleotide variant.
Coding change: c.8361C>A on transcript NM_006662.3 (MANE Select); coding-DNA position 8361, C replaced by A.
Protein change: p.Ser2787Arg; replaces serine 2787 with arginine.
Molecular consequence: missense variant.
Genome position (GRCh38, 1-based): chr16:30,738,401, C>A. VCF-style: chr16-30738401-C-A. GRCh37 (hg19) VCF-style: chr16-30749722-C-A.
Other names: short protein forms S2787R.
Identifiers: ClinVar variation 1878700 (VCV001878700.1), dbSNP rs749451205, ClinGen allele CA280524633.

ClinVar aggregate classification (germline): Uncertain significance (1 of 4 stars; one submission).

Allele frequency attached by ClinVar (database versions not stated): TOPMed below 0.00001.
gnomAD v4.1: 1 of 1,546,790 alleles (0.000065%); highest among the groups gnomAD compares: Non-Finnish European, 0.000087%; no homozygotes.

Submission:

GeneDx
Classification: Uncertain significance. Last evaluated: 2022-07-15. Review status: criteria provided, single submitter. Criteria: GeneDx Variant Classification Process June 2021. Collection method: clinical testing. Allele origin: germline. Affected: yes.
Comment: Not observed at significant frequency in large population cohorts (gnomAD); In silico analysis supports that this missense variant does not alter protein structure/function; Has not been previously published as pathogenic or benign to our knowledge